The following is an entry in ClinVar:

ClinVar aggregate classification (germline): Uncertain significance. Review status: criteria provided, multiple submitters, no conflicts (2 of 4 stars). 2 submissions from 2 submitters: Uncertain significance (2). Last evaluated 2023-06-21.

Conditions:
Inborn genetic diseases. Identifiers: MedGen C0950123, MeSH D030342.
Very long chain acyl-CoA dehydrogenase deficiency (ACADVLD). Also called: VLCAD Deficiency; Very Long-Chain Acyl-Coenzyme A Dehydrogenase Deficiency. Identifiers: Orphanet 26793, MedGen C3887523, MONDO:0008723, OMIM 201475.

Allele frequency attached by ClinVar (database versions not stated): TOPMed below 0.00001; ExAC 0.00001; gnomAD exomes 0.00001.

Submissions (2):

Ambry Genetics
Classification: Uncertain significance for Inborn genetic diseases. Last evaluated: 2023-06-21. Review status: criteria provided, single submitter. Criteria: Ambry Variant Classification Scheme 2023. Collection method: clinical testing. Allele origin: germline.

Labcorp Genetics (formerly Invitae), Labcorp
Classification: Uncertain significance for Very long chain acyl-CoA dehydrogenase deficiency. Last evaluated: 2022-08-23. Review status: criteria provided, single submitter. Criteria: Invitae Variant Classification Sherloc (09022015). Collection method: clinical testing. Allele origin: germline.
Comment: This sequence change replaces methionine, which is neutral and non-polar, with isoleucine, which is neutral and non-polar, at codon 127 of the ACADVL protein (p.Met127Ile). This variant is present in population databases (rs773608087, gnomAD 0.003%). This variant has not been reported in the literature in individuals affected with ACADVL-related conditions. ClinVar contains an entry for this variant (Variation ID: 1415627). Algorithms developed to predict the effect of missense changes on protein structure and function (SIFT, PolyPhen-2, Align-GVGD) all suggest that this variant is likely to be tolerated. In summary, the available evidence is currently insufficient to determine the role of this variant in disease. Therefore, it has been classified as a Variant of Uncertain Significance.

NM_000018.4(ACADVL):c.381G>A (p.Met127Ile)

Gene: ACADVL (acyl-CoA dehydrogenase very long chain; plus strand). Cytogenetic location: 17p13.1.
Variant type: single nucleotide variant.
Coding change: c.381G>A on transcript NM_000018.4 (MANE Select); coding-DNA position 381, G replaced by A.
Protein change: p.Met127Ile; replaces methionine 127 with isoleucine.
Molecular consequence: missense variant.
Genome position (GRCh38, 1-based): chr17:7,220,962, G>A. VCF-style: chr17-7220962-G-A. GRCh37 (hg19) VCF-style: chr17-7124281-G-A.
Other names: c.381G>A (NM_000018.2); c.315G>A, p.Met105Ile (NM_001033859.3); c.450G>A, p.Met150Ile (NM_001270447.2); c.153G>A, p.Met51Ile (NM_001270448.2); short protein forms M105I, M127I, M150I, M51I.
Identifiers: ClinVar variation 1415627 (VCV001415627.6), dbSNP rs773608087, ClinGen allele CA8337691.
Genomic context (GRCh38, chr17:7,220,962, plus strand): 5'-TGGGATCCTGTGCCTTCCCCAGGAAGTGAACGATCCCGCCAAGAATGACGCTCTGGAGAT[G>A]GTGGAGGAGACCACTTGGCAGGGCCTCAAGGAGCTGGGGGCCTTTGGTCTGCAAGTGCCC-3'
Protein context (NP_000009.1, residues 117-137): NDPAKNDALE[Met127Ile]VEETTWQGLK